The following is an entry in ClinVar:

ClinVar aggregate classification (germline): Uncertain significance. Review status: criteria provided, multiple submitters, no conflicts (2 of 4 stars). 2 submissions from 2 submitters: Uncertain significance (2). Last evaluated 2025-08-16.

Conditions:
Frontotemporal dementia and/or amyotrophic lateral sclerosis 4. Also called: FTDALS4. Identifiers: Orphanet 275872, MedGen C4225325, MONDO:0014641, OMIM 616439.

Allele frequency attached by ClinVar (database versions not stated): gnomAD exomes below 0.00001 and 0.00001; TOPMed 0.00001; gnomAD 0.00002.
gnomAD v4.1: 17 of 1,603,306 alleles (0.0011%); highest among the groups gnomAD compares: African/African-American, 0.004%; no homozygotes.

Submissions (2):

Labcorp Genetics (formerly Invitae), Labcorp
Classification: Uncertain significance for Frontotemporal dementia and/or amyotrophic lateral sclerosis 4. Last evaluated: 2025-08-16. Review status: criteria provided, single submitter. Criteria: Invitae Variant Classification Sherloc (09022015). Collection method: clinical testing. Allele origin: germline.
Comment: This sequence change replaces tyrosine, which is neutral and polar, with cysteine, which is neutral and slightly polar, at codon 105 of the TBK1 protein (p.Tyr105Cys). This variant is present in population databases (no rsID available, gnomAD 0.0009%). This missense change has been observed in individual(s) with amyotrophic lateral sclerosis (PMID: 25803835). ClinVar contains an entry for this variant (Variation ID: 916301). Invitae Evidence Modeling of protein sequence and biophysical properties (such as structural, functional, and spatial information, amino acid conservation, physicochemical variation, residue mobility, and thermodynamic stability) indicates that this missense variant is not expected to disrupt TBK1 protein function with a negative predictive value of 95%. Experimental studies have shown that this missense change affects TBK1 function (PMID: 31748271). In summary, the available evidence is currently insufficient to determine the role of this variant in disease. Therefore, it has been classified as a Variant of Uncertain Significance.

CeGaT Center for Human Genetics Tuebingen
Classification: Uncertain significance. Last evaluated: 2020-03-01. Review status: criteria provided, single submitter. Criteria: CeGaT Center For Human Genetics Tuebingen Variant Classification Criteria Version 2. Collection method: clinical testing. Allele origin: germline. Affected: yes. Observed: 1 variant allele.

Literature cited by the submitters: PubMed 25803835 (cited by Labcorp Genetics (formerly Invitae), Labcorp); PubMed 31748271 (cited by Labcorp Genetics (formerly Invitae), Labcorp).

NM_013254.4(TBK1):c.314A>G (p.Tyr105Cys)

Gene: TBK1 (TANK binding kinase 1; plus strand). Cytogenetic location: 12q14.2.
Variant type: single nucleotide variant.
Coding change: c.314A>G on transcript NM_013254.4 (MANE Select); coding-DNA position 314, A replaced by G.
Protein change: p.Tyr105Cys; replaces tyrosine 105 with cysteine.
Molecular consequence: missense variant.
Genome position (GRCh38, 1-based): chr12:64,464,419, A>G. VCF-style: chr12-64464419-A-G. GRCh37 (hg19) VCF-style: chr12-64858199-A-G.
Other names: short protein forms Y105C.
Identifiers: ClinVar variation 916301 (VCV000916301.44), dbSNP rs1366668789, ClinGen allele CA385595515.